The following is an entry in ClinVar:

NM_003924.4(PHOX2B):c.911C>A (p.Ala304Asp)

Gene: PHOX2B (paired like homeobox 2B; minus strand). Cytogenetic location: 4p13.
Variant type: single nucleotide variant.
Coding change: c.911C>A on transcript NM_003924.4 (MANE Select); coding-DNA position 911, C replaced by A.
Protein change: p.Ala304Asp; replaces alanine 304 with aspartic acid.
Molecular consequence: missense variant.
Genome position (GRCh38, 1-based): chr4:41,745,841, G>T on the plus strand (C>A on the coding strand, the complement: PHOX2B is on the minus strand). VCF-style: chr4-41745841-G-T. GRCh37 (hg19) VCF-style: chr4-41747858-G-T.
Other names: short protein forms A304D.
Identifiers: ClinVar variation 1395142 (VCV001395142.6), dbSNP rs2153112728, ClinGen allele CA356736748.
Genomic context (GRCh38, chr4:41,745,841, plus strand): 5'-CGCCGCCGCCGCCGCAGGATTCCAGATCAGAACATACTGCTCTTCACTAAGGCGGCTTTG[G>T]CACCGTTGGGTCTTTGGAGCGAAGATAGGACGCTGGCGAAGGGACCCCCAAGCGAATCCG-3'
Protein context (NP_003915.2, residues 294-314): VLSSLQRPNG[Ala304Asp]KAALVKSSMF

ClinVar aggregate classification (germline): Uncertain significance (1 of 4 stars; one submission).

Conditions:
Haddad syndrome (OHD). Also called: Ondine-Hirschsprung disease. Identifiers: Orphanet 99803, MedGen C1859049, MONDO:0020493.

Submission:

Labcorp Genetics (formerly Invitae), Labcorp
Classification: Uncertain significance for Haddad syndrome. Last evaluated: 2021-11-26. Review status: criteria provided, single submitter. Criteria: Invitae Variant Classification Sherloc (09022015). Collection method: clinical testing. Allele origin: germline.
Comment: In summary, the available evidence is currently insufficient to determine the role of this variant in disease. Therefore, it has been classified as a Variant of Uncertain Significance. Algorithms developed to predict the effect of sequence changes on RNA splicing suggest that this variant may create or strengthen a splice site. Algorithms developed to predict the effect of missense changes on protein structure and function are either unavailable or do not agree on the potential impact of this missense change (SIFT: "Deleterious"; PolyPhen-2: "Not Available"; Align-GVGD: "Class C0"). This variant has not been reported in the literature in individuals affected with PHOX2B-related conditions. This variant is not present in population databases (gnomAD no frequency). This sequence change replaces alanine, which is neutral and non-polar, with aspartic acid, which is acidic and polar, at codon 304 of the PHOX2B protein (p.Ala304Asp).